The following is an entry in ClinVar:

NM_005045.4(RELN):c.2396A>G (p.Tyr799Cys)

Gene: RELN (reelin; minus strand). Cytogenetic location: 7q22.1.
Variant type: single nucleotide variant.
Coding change: c.2396A>G on transcript NM_005045.4 (MANE Select); coding-DNA position 2396, A replaced by G.
Protein change: p.Tyr799Cys; replaces tyrosine 799 with cysteine.
Molecular consequence: missense variant.
Genome position (GRCh38, 1-based): chr7:103,635,494, T>C on the plus strand (A>G on the coding strand, the complement: RELN is on the minus strand). VCF-style: chr7-103635494-T-C. GRCh37 (hg19) VCF-style: chr7-103275941-T-C.
Other names: c.2396A>G, p.Tyr799Cys (NM_173054.3); c.2396A>G (NM_005045.3); short protein forms Y799C.
Identifiers: ClinVar variation 1360637 (VCV001360637.9), dbSNP rs2117348731, ClinGen allele CA368760089.
Genomic context (GRCh38, chr7:103,635,494, plus strand): 5'-TGATAGCTGAGATATGAATAATGCTCCAGGAGTTTCCAAGTTATCCCATTATCATAAGAA[T>C]AATGCAACAAAACTCCTTCACCAGGCTGATCAGGGGCTCTGCACGTGCTCAGAACAGATT-3'
Protein context (NP_005036.2, residues 789-809): DQPGEGVLLH[Tyr799Cys]SYDNGITWKL

ClinVar aggregate classification (germline): Uncertain significance. Review status: criteria provided, multiple submitters, no conflicts (2 of 4 stars). 2 submissions from 2 submitters: Uncertain significance (2). Last evaluated 2024-01-31.

Conditions:
Norman-Roberts syndrome (LIS2). Also called: Lissencephaly 2 (Norman-Roberts type). Identifiers: Orphanet 89844, MedGen C0796089, MONDO:0009760, OMIM 257320.
Familial temporal lobe epilepsy 7. Identifiers: Orphanet 101046, MedGen C4225327, MONDO:0014639, OMIM 616436.
Inborn genetic diseases. Identifiers: MedGen C0950123, MeSH D030342.

Submissions (2):

Ambry Genetics
Classification: Uncertain significance for Inborn genetic diseases. Last evaluated: 2024-01-31. Review status: criteria provided, single submitter. Criteria: Ambry Variant Classification Scheme 2023. Collection method: clinical testing. Allele origin: germline.

Labcorp Genetics (formerly Invitae), Labcorp
Classification: Uncertain significance for Familial temporal lobe epilepsy 7; Norman-Roberts syndrome. Last evaluated: 2023-06-10. Review status: criteria provided, single submitter. Criteria: Invitae Variant Classification Sherloc (09022015). Collection method: clinical testing. Allele origin: germline.
Comment: In summary, the available evidence is currently insufficient to determine the role of this variant in disease. Therefore, it has been classified as a Variant of Uncertain Significance. Advanced modeling of protein sequence and biophysical properties (such as structural, functional, and spatial information, amino acid conservation, physicochemical variation, residue mobility, and thermodynamic stability) performed at Invitae indicates that this missense variant is not expected to disrupt RELN protein function. ClinVar contains an entry for this variant (Variation ID: 1360637). This variant has not been reported in the literature in individuals affected with RELN-related conditions. This variant is not present in population databases (gnomAD no frequency). This sequence change replaces tyrosine, which is neutral and polar, with cysteine, which is neutral and slightly polar, at codon 799 of the RELN protein (p.Tyr799Cys).